The following is an entry in ClinVar:

ClinVar aggregate classification (germline): Uncertain significance (1 of 4 stars; one submission).

Conditions:
Familial cold autoinflammatory syndrome 3 (FCAS3). Also called: FAMILIAL ATYPICAL COLD URTICARIA; ANTIBODY DEFICIENCY AND IMMUNE DYSREGULATION, PLCG2-ASSOCIATED. Identifiers: Orphanet 300359, MedGen C3280914, MONDO:0013766, OMIM 614468.

Allele frequency attached by ClinVar (database versions not stated): gnomAD exomes below 0.00001; gnomAD 0.00002; TOPMed 0.00002.
gnomAD v4.1: 8 of 1,613,468 alleles (0.0005%); highest among the groups gnomAD compares: African/African-American, 0.0013%; no homozygotes.

Submission:

Labcorp Genetics (formerly Invitae), Labcorp
Classification: Uncertain significance for Familial cold autoinflammatory syndrome 3. Last evaluated: 2023-05-11. Review status: criteria provided, single submitter. Criteria: Invitae Variant Classification Sherloc (09022015). Collection method: clinical testing. Allele origin: germline.
Comment: In summary, the available evidence is currently insufficient to determine the role of this variant in disease. Therefore, it has been classified as a Variant of Uncertain Significance. An algorithm developed to predict the effect of missense changes on protein structure and function (PolyPhen-2) suggests that this variant is likely to be tolerated. This variant has not been reported in the literature in individuals affected with PLCG2-related conditions. This variant is not present in population databases (gnomAD no frequency). This sequence change replaces proline, which is neutral and non-polar, with serine, which is neutral and polar, at codon 522 of the PLCG2 protein (p.Pro522Ser).

NM_002661.5(PLCG2):c.1564C>T (p.Pro522Ser)

Gene: PLCG2 (phospholipase C gamma 2; plus strand). Cytogenetic location: 16q23.3.
Variant type: single nucleotide variant.
Coding change: c.1564C>T on transcript NM_002661.5 (MANE Select); coding-DNA position 1564, C replaced by T.
Protein change: p.Pro522Ser; replaces proline 522 with serine.
Molecular consequence: missense variant.
Genome position (GRCh38, 1-based): chr16:81,908,422, C>T. VCF-style: chr16-81908422-C-T. GRCh37 (hg19) VCF-style: chr16-81942027-C-T.
Other names: c.1564C>T, p.Pro522Ser (NM_001425749.1, NM_001425750.1, NM_001425751.1); short protein forms P522S.
Identifiers: ClinVar variation 3024025 (VCV003024025.3), dbSNP rs1231256206, ClinGen allele CA396900061.